The following is an entry in ClinVar:

NM_001083962.2(TCF4):c.687C>A (p.Ser229=)

Gene: TCF4 (transcription factor 4; minus strand). Cytogenetic location: 18q21.2.
Variant type: single nucleotide variant.
Coding change: c.687C>A on transcript NM_001083962.2 (MANE Select); coding-DNA position 687, C replaced by A.
Protein change: p.Ser229=; no amino-acid change (serine 229 retained).
Molecular consequence: synonymous variant.
Genome position (GRCh38, 1-based): chr18:55,275,721, G>T on the plus strand (C>A on the coding strand, the complement: TCF4 is on the minus strand). VCF-style: chr18-55275721-G-T. GRCh37 (hg19) VCF-style: chr18-52942952-G-T.
Other names: c.993C>A, p.Ser331= (NM_001243226.3); c.615C>A, p.Ser205= (NM_001243227.2, NM_001306207.1, NM_001348217.1 and 9 more transcripts); c.705C>A, p.Ser235= (NM_001243228.2); c.681C>A, p.Ser227= (NM_001243230.2); c.561C>A, p.Ser187= (NM_001243231.2, NM_001348211.2); c.474C>A, p.Ser158= (NM_001243232.1, NM_001306208.1); c.297C>A, p.Ser99= (NM_001243233.2, NM_001330605.3, NM_001348212.2 and 1 more transcripts); c.207C>A, p.Ser69= (NM_001243234.2, NM_001243235.2, NM_001243236.2 and 2 more transcripts); and 4 more.
Identifiers: ClinVar variation 327305 (VCV000327305.15), dbSNP rs200800656, ClinGen allele CA8970418.

ClinVar aggregate classification (germline): Likely benign. Review status: reviewed by expert panel (3 of 4 stars). 4 submissions from 4 submitters: Likely benign (1). 3 of the submissions do not count toward it. Last evaluated 2021-03-26.

Conditions:
Pitt-Hopkins syndrome (PTHS). Also called: ENCEPHALOPATHY, SEVERE EPILEPTIC, WITH AUTONOMIC DYSFUNCTION; MENTAL RETARDATION, SYNDROMAL, WITH INTERMITTENT HYPERVENTILATION. Identifiers: Orphanet 2896, MedGen C1970431, MONDO:0012589, OMIM 610954.

Allele frequency attached by ClinVar (database versions not stated): gnomAD 0.00001 and 0.00005; TOPMed 0.00001; ExAC 0.00002; 1000 Genomes Project 30x 0.00016; 1000 Genomes Project 0.00020.
gnomAD v4.1: 145 of 1,613,850 alleles (0.009%); highest among the groups gnomAD compares: East Asian, 0.31%; no homozygotes.

Submissions (4):

ClinGen Rett and Angelman-like Disorders Variant Curation Expert Panel
Classification: Likely benign for Pitt-Hopkins syndrome. Last evaluated: 2021-03-26. Review status: reviewed by expert panel. Criteria: ClinGen RettAS ACMG Specifications V1. Collection method: curation. Allele origin: germline. Inheritance: Autosomal dominant inheritance.
Comment: The allele frequency of the p.Ser229= variant in TCF4 is 0.027% in East Asian sub population in gnomAD, which is high enough to be classified as likely benign based on thresholds defined by the ClinGen Rett/Angelman-like Expert Panel for Rett/AS-like conditions (BS1). The silent p.Ser229= variant is not predicted to affect splicing using multiple computational tools and does not affect a highly conserved nucleotide (BP7). In summary, the p.Ser229= variant in TCF4 is classified as likely benign based on the ACMG/AMP criteria (BS1, BP7).

Labcorp Genetics (formerly Invitae), Labcorp
Classification: Likely benign for Pitt-Hopkins syndrome. Last evaluated: 2025-05-11. Review status: criteria provided, single submitter. Criteria: Invitae Variant Classification Sherloc (09022015). Collection method: clinical testing. Allele origin: germline. Not counted in ClinVar's aggregate classification.

Illumina Laboratory Services, Illumina
Classification: Likely benign for Pitt-Hopkins syndrome. Last evaluated: 2017-04-27. Review status: criteria provided, single submitter. Criteria: ICSL Variant Classification Criteria 13 December 2019. Collection method: clinical testing. Allele origin: germline. Not counted in ClinVar's aggregate classification.
Comment: This variant was observed as part of a predisposition screen in an ostensibly healthy population. A literature search was performed for the gene, cDNA change, and amino acid change (where applicable). No publications were found based on this search. Allele frequency data from public databases allowed determination this variant is unlikely to cause disease. Therefore, this variant is classified as likely benign.

GeneDx
Classification: Likely benign. Last evaluated: 2016-10-25. Review status: criteria provided, single submitter. Criteria: GeneDx Variant Classification (06012015). Collection method: clinical testing. Allele origin: germline. Affected: yes. Not counted in ClinVar's aggregate classification.
Comment: This variant is considered likely benign or benign based on one or more of the following criteria: it is a conservative change, it occurs at a poorly conserved position in the protein, it is predicted to be benign by multiple in silico algorithms, and/or has population frequency not consistent with disease.